The following is an entry in ClinVar:

ClinVar aggregate classification (germline): Pathogenic (1 of 4 stars; one submission).

Conditions:
Glycogen storage disease, type II (IOPD). Also called: GSD II; POMPE DISEASE, INFANTILE-ONSET; GLYCOGEN STORAGE DISEASE II, INFANTILE-ONSET; ACID ALPHA-GLUCOSIDASE DEFICIENCY, INFANTILE-ONSET; GAA DEFICIENCY, INFANTILE-ONSET; ACID MALTASE DEFICIENCY, INFANTILE-ONSET. Identifiers: Orphanet 365, MedGen C0017921, MONDO:0009290, OMIM 232300.

Submission:

Labcorp Genetics (formerly Invitae), Labcorp
Classification: Pathogenic for Glycogen storage disease, type II. Last evaluated: 2019-04-01. Review status: criteria provided, single submitter. Criteria: Invitae Variant Classification Sherloc (09022015). Collection method: clinical testing. Allele origin: germline.
Comment: This sequence change creates a premature translational stop signal (p.Val588Argfs*9) in the GAA gene. It is expected to result in an absent or disrupted protein product. This variant is not present in population databases (ExAC no frequency). This variant has not been reported in the literature in individuals with GAA-related conditions. Loss-of-function variants in GAA are known to be pathogenic (PMID: 18425781, 22252923). For these reasons, this variant has been classified as Pathogenic.

NM_000152.5(GAA):c.1761_1765delinsT (p.Val588fs)

Gene: GAA (alpha glucosidase; plus strand). Cytogenetic location: 17q25.3.
Variant type: Indel.
Coding change: c.1761_1765delinsT on transcript NM_000152.5 (MANE Select); coding-DNA positions 1761 to 1765, GGTGA replaced by T.
Protein change: p.Val588fs; shifts the reading frame from valine 588.
Molecular consequence: frameshift variant.
Genome position (GRCh38, 1-based): chr17:80,112,584-80,112,588, GGTGA replaced by T. VCF-style: chr17-80112584-GGTGA-T. GRCh37 (hg19) VCF-style: chr17-78086383-GGTGA-T.
Other names: c.1761_1765delinsT, p.Val588fs (NM_001079803.3, NM_001079804.3); short protein forms V588fs.
Identifiers: ClinVar variation 968332 (VCV000968332.1), dbSNP rs2039261436, ClinGen allele CA1139665925.
Genomic context (GRCh38, chr17:80,112,584, plus strand): 5'-GTTCCCGAGTGACCCCGCTCCACACAGCCCTCACGGTGTCCCCCACCACCCCAGGGCGCT[GGTGA>T]AGGCTCGGGGGACACGCCCATTTGTGATCTCCCGCTCGACCTTTGCTGGCCACGGCCGAT-3'